The following is an entry in ClinVar:

NM_181426.2(CCDC39):c.1964_1968del (p.Glu655fs)

Gene: CCDC39 (coiled-coil domain 39 molecular ruler complex subunit; minus strand). Cytogenetic location: 3q26.33.
Variant type: Deletion.
Coding change: c.1964_1968del on transcript NM_181426.2 (MANE Select); coding-DNA positions 1964 to 1968, 5 bases deleted (AAGAG; older notation c.1964_1968delAAGAG).
Protein change: p.Glu655fs; shifts the reading frame from glutamic acid 655.
Molecular consequence: frameshift variant.
Genome position (GRCh38, 1-based): chr3:180,631,499-180,631,503, CTCTT deleted on the plus strand (AAGAG on the coding strand, the reverse complement: CCDC39 is on the minus strand); deleting any 5 consecutive bases within chr3:180,631,499-180,631,506 gives the same sequence; the c. name uses the placement nearest the transcript's 3' end. VCF-style (leftmost placement, unchanged base first): chr3-180631498-CCTCTT-C. GRCh37 (hg19) VCF-style: chr3-180349286-CCTCTT-C.
Other names: short protein forms E655fs.
Identifiers: ClinVar variation 1070026 (VCV001070026.10), dbSNP rs1717695462, ClinGen allele CA1424301177.

ClinVar aggregate classification (germline): Pathogenic/Likely pathogenic. Review status: criteria provided, multiple submitters, no conflicts (2 of 4 stars). 2 submissions from 2 submitters: Pathogenic (1); Likely pathogenic (1). Last evaluated 2022-08-15.

Conditions:
Primary ciliary dyskinesia 14. Also called: CILIARY DYSKINESIA, PRIMARY, 14, WITH OR WITHOUT SITUS INVERSUS. Identifiers: Orphanet 244, MedGen C3151136, MONDO:0013434, OMIM 613807.
Primary ciliary dyskinesia. Also called: Ciliary dyskinesia. Identifiers: Orphanet 244, MedGen C0008780, MONDO:0016575, HP:0012265.

Submissions (2):

Labcorp Genetics (formerly Invitae), Labcorp
Classification: Pathogenic for Primary ciliary dyskinesia. Last evaluated: 2022-08-15. Review status: criteria provided, single submitter. Criteria: Invitae Variant Classification Sherloc (09022015). Collection method: clinical testing. Allele origin: germline.
Comment: ClinVar contains an entry for this variant (Variation ID: 1070026). For these reasons, this variant has been classified as Pathogenic. This premature translational stop signal has been observed in individual(s) with clinical features of CCDC39-related conditions (Invitae). This sequence change creates a premature translational stop signal (p.Glu655Glyfs*23) in the CCDC39 gene. It is expected to result in an absent or disrupted protein product. Loss-of-function variants in CCDC39 are known to be pathogenic (PMID: 21131972, 23255504). This variant is not present in population databases (gnomAD no frequency).

Fulgent Genetics
Classification: Likely pathogenic for Primary ciliary dyskinesia 14. Last evaluated: 2021-11-29. Review status: criteria provided, single submitter. Criteria: ACMG Guidelines, 2015. Collection method: clinical testing. Allele origin: unknown.

Literature cited by the submitters: PubMed 21131972 (cited by Labcorp Genetics (formerly Invitae), Labcorp); PubMed 23255504 (cited by Labcorp Genetics (formerly Invitae), Labcorp).